The following is an entry in ClinVar:

ClinVar aggregate classification (germline): Likely benign. Review status: criteria provided, multiple submitters, no conflicts (2 of 4 stars). 2 submissions from 2 submitters: Likely benign (2). Last evaluated 2025-04-02.

Conditions:
SEMA3E-related disorder. Also called: SEMA3E-related condition.
CHARGE syndrome (CHARGE). Also called: Hittner Hirsch Kreh syndrome; CHARGE ASSOCIATION--COLOBOMA, HEART ANOMALY, CHOANAL ATRESIA, RETARDATION, GENITAL AND EAR ANOMALIES; Coloboma, heart anomaly, choanal atresia, retardation, genital and ear anomalies; CHARGE association; Hall-Hittner syndrome. Identifiers: Orphanet 138, MedGen C0265354, MONDO:0008965.

Allele frequency attached by ClinVar (database versions not stated): gnomAD 0.00001.
gnomAD v4.1: 11 of 1,612,608 alleles (0.00068%); highest among the groups gnomAD compares: Middle Eastern, 0.016%; no homozygotes.

Submissions (2):

PreventionGenetics, part of Exact Sciences
Classification: Likely benign for SEMA3E-related condition. Last evaluated: 2025-04-02. Review status: criteria provided, single submitter. Criteria: ACMG Guidelines, 2015. Collection method: clinical testing. Allele origin: germline.
Comment: This variant is classified as likely benign based on ACMG/AMP sequence variant interpretation guidelines (Richards et al. 2015 PMID: 25741868, with internal and published modifications).

Labcorp Genetics (formerly Invitae), Labcorp
Classification: Likely benign for CHARGE syndrome. Last evaluated: 2024-10-08. Review status: criteria provided, single submitter. Criteria: Invitae Variant Classification Sherloc (09022015). Collection method: clinical testing. Allele origin: germline.

NM_012431.3(SEMA3E):c.1667+8G>A

Gene: SEMA3E (semaphorin 3E; minus strand). Cytogenetic location: 7q21.11.
Variant type: single nucleotide variant.
Coding change: c.1667+8G>A on transcript NM_012431.3 (MANE Select); 8 bases into the intron after coding-DNA position 1667, G replaced by A.
Molecular consequence: intron variant.
Genome position (GRCh38, 1-based): chr7:83,392,547, C>T on the plus strand (G>A on the coding strand, the complement: SEMA3E is on the minus strand). VCF-style: chr7-83392547-C-T. GRCh37 (hg19) VCF-style: chr7-83021863-C-T.
Other names: c.1487+8G>A (NM_001178129.2); c.1667+8G>A (NM_012431.2).
Identifiers: ClinVar variation 2177414 (VCV002177414.5), dbSNP rs764096552, ClinGen allele CA4321953.